The following is an entry in ClinVar:

NM_001754.5(RUNX1):c.480C>T (p.Asp160=)

Genes: RUNX1 (RUNX family transcription factor 1; minus strand), RUNX1-AS1 (RUNX1 antisense RNA 1; plus strand). Cytogenetic location: 21q22.12.
Variant type: single nucleotide variant.
Coding change: c.480C>T on transcript NM_001754.5 (MANE Select); coding-DNA position 480, C replaced by T.
Protein change: p.Asp160=; no amino-acid change (aspartic acid 160 retained).
Molecular consequence: synonymous variant.
Genome position (GRCh38, 1-based): chr21:34,880,585, G>A on the plus strand (C>T on the coding strand, the complement: RUNX1 is on the minus strand). VCF-style: chr21-34880585-G-A. GRCh37 (hg19) VCF-style: chr21-36252882-G-A.
Other names: NM_001754.5(RUNX1):c.480C>T; p.Asp160=; c.399C>T, p.Asp133= (NM_001001890.3, NM_001122607.2).
Identifiers: ClinVar variation 2814451 (VCV002814451.6), dbSNP rs2146360888, ClinGen allele CA512318677.
Genomic context (GRCh38, chr21:34,880,585, plus strand): 5'-TGTTTCAAGCATAGTTTTGACAGATAACGTACCTCTTCCACTTCGACCGACAAACCTGAG[G>A]TCATTAAATCTTGCAACCTGGTTCTTCATGGCTGCGGTAGCATTTCTCAGCTCAGCCGAG-3'
Protein context (NP_001745.2, residues 150-170): AMKNQVARFN[Asp160=]LRFVGRSGRG

ClinVar aggregate classification (germline): Likely benign. Review status: reviewed by expert panel (3 of 4 stars). 2 submissions from 2 submitters: Likely benign (1). 1 of the submissions does not count toward it. Last evaluated 2026-05-04.

Conditions:
Hereditary thrombocytopenia and hematological cancer predisposition syndrome associated with RUNX1. Also called: Familial Platelet Disorder with Propensity to Acute Myelogenous Leukemia; Familial thrombocytopenia with propensity to acute myelogenous leukemia; PLATELET DISORDER, ASPIRIN-LIKE; RUNX1 Familial Platelet Disorder with Associated Myeloid Malignancies. Identifiers: Orphanet 71290, MedGen C1832388, MeSH C563324, MONDO:0100083, OMIM 601399.
Hereditary thrombocytopenia and hematologic cancer predisposition syndrome. Identifiers: Orphanet 71290, MedGen CN281654, MONDO:0011071.

Allele frequency attached by ClinVar (database versions not stated): gnomAD exomes below 0.00001.
gnomAD v4.1: 1 of 1,614,090 alleles (0.000062%); highest among the groups gnomAD compares: Admixed American, 0.0017%; no homozygotes.

Submissions (2):

ClinGen Myeloid Malignancy Variant Curation Expert Panel
Classification: Likely benign for Hereditary thrombocytopenia and hematologic cancer predisposition syndrome. Last evaluated: 2026-05-04. Review status: reviewed by expert panel. Criteria: ClinGen MyeloMalig ACMG Specifications V3.1. Collection method: curation. Allele origin: germline. Inheritance: Autosomal dominant inheritance.
Comment: NM_001754.5(RUNX1):c.480C>T (p.Asp160=) is a synonymous variant which has a SpliceAI score ≤ 0.20 (0.05) (BP4, BP7). This variant is completely absent from all population databases with at least 20x coverage for RUNX1 (PM2_supporting). In summary, this variant meets criteria to be classified as likely benign. ACMG/AMP criteria applied, as specified by the Myeloid Malignancy Variant Curation Expert Panel for RUNX1: BP4, BP7, PM2_supporting.

Labcorp Genetics (formerly Invitae), Labcorp
Classification: Likely benign for Hereditary thrombocytopenia and hematological cancer predisposition syndrome associated with RUNX1. Last evaluated: 2022-11-15. Review status: criteria provided, single submitter. Criteria: Invitae Variant Classification Sherloc (09022015). Collection method: clinical testing. Allele origin: germline. Not counted in ClinVar's aggregate classification.